The following is an entry in ClinVar:

ClinVar aggregate classification (germline): Uncertain significance (1 of 4 stars; one submission).

Submission:

Labcorp Genetics (formerly Invitae), Labcorp
Classification: Uncertain significance. Last evaluated: 2024-02-25. Review status: criteria provided, single submitter. Criteria: Invitae Variant Classification Sherloc (09022015). Collection method: clinical testing. Allele origin: germline.
Comment: This sequence change replaces glutamic acid, which is acidic and polar, with alanine, which is neutral and non-polar, at codon 1823 of the UNC80 protein (p.Glu1823Ala). This variant is not present in population databases (gnomAD no frequency). This variant has not been reported in the literature in individuals affected with UNC80-related conditions. Advanced modeling of protein sequence and biophysical properties (such as structural, functional, and spatial information, amino acid conservation, physicochemical variation, residue mobility, and thermodynamic stability) performed at Invitae indicates that this missense variant is not expected to disrupt UNC80 protein function with a negative predictive value of 80%. In summary, the available evidence is currently insufficient to determine the role of this variant in disease. Therefore, it has been classified as a Variant of Uncertain Significance.

NM_001371986.1(UNC80):c.5666A>C (p.Glu1889Ala)

Gene: UNC80 (unc-80 subunit of NALCN channel complex; plus strand). Cytogenetic location: 2q34.
Variant type: single nucleotide variant.
Coding change: c.5666A>C on transcript NM_001371986.1 (MANE Select); coding-DNA position 5666, A replaced by C.
Protein change: p.Glu1889Ala; replaces glutamic acid 1889 with alanine.
Molecular consequence: missense variant.
Genome position (GRCh38, 1-based): chr2:209,926,846, A>C. VCF-style: chr2-209926846-A-C. GRCh37 (hg19) VCF-style: chr2-210791570-A-C.
Other names: c.5468A>C, p.Glu1823Ala (NM_032504.2); c.5453A>C, p.Glu1818Ala (NM_182587.4); short protein forms E1889A, E1818A, E1823A.
Identifiers: ClinVar variation 3643189 (VCV003643189.2).
Genomic context (GRCh38, chr2:209,926,846, plus strand): 5'-TAGCAACAAAGAATTACGTTACTGAGAAAAGCACCCTGATTTTGTCTCCCATTTTAGATG[A>C]GGAACATACCACTGAACACACGCCGAACCACCATGTGCCTCAGCCCCCACAAGCAGTGTT-3'
Protein context (NP_001358915.1, residues 1879-1899): SVRSAVSAED[Glu1889Ala]EHTTEHTPNH